The following is an entry in ClinVar:

NM_004994.3(MMP9):c.958T>A (p.Tyr320Asn)

Gene: MMP9 (matrix metallopeptidase 9; plus strand). Cytogenetic location: 20q13.12.
Variant type: single nucleotide variant.
Coding change: c.958T>A on transcript NM_004994.3 (MANE Select); coding-DNA position 958, T replaced by A.
Protein change: p.Tyr320Asn; replaces tyrosine 320 with asparagine.
Molecular consequence: missense variant.
Genome position (GRCh38, 1-based): chr20:46,011,708, T>A. VCF-style: chr20-46011708-T-A. GRCh37 (hg19) VCF-style: chr20-44640347-T-A.
Other names: short protein forms Y320N.
Identifiers: ClinVar variation 1938711 (VCV001938711.6), dbSNP rs202151407, ClinGen allele CA9886567.
Genomic context (GRCh38, chr20:46,011,708, plus strand): 5'-TCCGCCTGCACCACGGACGGTCGCTCCGACGGCTACCGCTGGTGCGCCACCACCGCCAAC[T>A]ACGACCGGGACAAGCTCTTCGGCTTCTGCCCGACCCGAGGTACCTCCACCCTGTCTACCA-3'
Protein context (NP_004985.2, residues 310-330): GYRWCATTAN[Tyr320Asn]DRDKLFGFCP

ClinVar aggregate classification (germline): Uncertain significance. Review status: criteria provided, single submitter (1 of 4 stars). 2 submissions from 2 submitters: Uncertain significance (1). 1 of the submissions does not count toward it. Last evaluated 2022-07-27.

Conditions:
Mendelian syndromes with cleft lip/palate. Also called: Orofacial clefting syndrome. Identifiers: Orphanet 139039, MedGen C5680616, MONDO:0015335.

Allele frequency attached by ClinVar (database versions not stated): gnomAD 0.00001; gnomAD exomes 0.00001; ExAC 0.00005; 1000 Genomes Project 30x 0.00016; 1000 Genomes Project 0.00020.
gnomAD v4.1: 8 of 1,613,822 alleles (0.0005%); highest among the groups gnomAD compares: Non-Finnish European, 0.00068%; no homozygotes.

Submissions (2):

Labcorp Genetics (formerly Invitae), Labcorp
Classification: Uncertain significance. Last evaluated: 2022-07-27. Review status: criteria provided, single submitter. Criteria: Invitae Variant Classification Sherloc (09022015). Collection method: clinical testing. Allele origin: germline.
Comment: In summary, the available evidence is currently insufficient to determine the role of this variant in disease. Therefore, it has been classified as a Variant of Uncertain Significance. Algorithms developed to predict the effect of missense changes on protein structure and function (SIFT, PolyPhen-2, Align-GVGD) all suggest that this variant is likely to be disruptive. This variant has not been reported in the literature in individuals affected with MMP9-related conditions. This variant is present in population databases (rs202151407, gnomAD 0.004%). This sequence change replaces tyrosine, which is neutral and polar, with asparagine, which is neutral and polar, at codon 320 of the MMP9 protein (p.Tyr320Asn).

Faculty of Pharmacy, University of Ljubljana
Classification: Uncertain significance for Mendelian syndromes with cleft lip/palate. Review status: no assertion criteria provided. Collection method: research. Allele origin: germline. Inheritance: Autosomal unknown. Affected: yes. Observed: 2 variant alleles, 2 heterozygotes. Clinical features observed: unilateral cleft lip and palate. Not counted in ClinVar's aggregate classification.

Literature cited by the submitters: PubMed 36901693 (cited by Faculty of Pharmacy, University of Ljubljana).